The following is an entry in ClinVar:

NM_000051.4(ATM):c.6889C>A (p.Gln2297Lys)

Genes: ATM (ATM serine/threonine kinase; plus strand), C11orf65 (chromosome 11 open reading frame 65; minus strand). Cytogenetic location: 11q22.3.
Variant type: single nucleotide variant.
Coding change: c.6889C>A on transcript NM_000051.4 (MANE Select); coding-DNA position 6889, C replaced by A.
Protein change: p.Gln2297Lys; replaces glutamine 2297 with lysine.
Molecular consequence: missense variant. On other transcripts: intron variant (2).
Genome position (GRCh38, 1-based): chr11:108,326,139, C>A. VCF-style: chr11-108326139-C-A. GRCh37 (hg19) VCF-style: chr11-108196866-C-A.
Other names: c.6889C>A, p.Gln2297Lys (NM_001351834.2); c.641-17068G>T (NM_001330368.2); c.*38+9081G>T (NM_001351110.2); short protein forms Q2297K.
Identifiers: ClinVar variation 4780698 (VCV004780698.1).

ClinVar aggregate classification (germline): Uncertain significance (1 of 4 stars; one submission).

Conditions:
Ataxia-telangiectasia syndrome (AT). Also called: LOUIS-BAR SYNDROME; Cerebello-oculocutaneous telangiectasia; Immunodeficiency with ataxia telangiectasia; Ataxia-telangiectasia, complementation group D; AT, COMPLEMENTATION GROUP C; ATAXIA-TELANGIECTASIA, COMPLEMENTATION GROUP A. Identifiers: Orphanet 100, MedGen C0004135, MONDO:0008840, OMIM 208900.

Submission:

Labcorp Genetics (formerly Invitae), Labcorp
Classification: Uncertain significance for Ataxia-telangiectasia syndrome. Last evaluated: 2025-12-17. Review status: criteria provided, single submitter. Criteria: Invitae Variant Classification Sherloc (09022015). Collection method: clinical testing. Allele origin: germline.
Comment: This sequence change replaces glutamine, which is neutral and polar, with lysine, which is basic and polar, at codon 2297 of the ATM protein (p.Gln2297Lys). This variant is not present in population databases (gnomAD no frequency). This variant has not been reported in the literature in individuals affected with ATM-related conditions. Invitae Evidence Modeling of protein sequence and biophysical properties (such as structural, functional, and spatial information, amino acid conservation, physicochemical variation, residue mobility, and thermodynamic stability) indicates that this missense variant is not expected to disrupt ATM protein function with a negative predictive value of 95%. In summary, the available evidence is currently insufficient to determine the role of this variant in disease. Therefore, it has been classified as a Variant of Uncertain Significance.